The following is an entry in ClinVar:

ClinVar aggregate classification (germline): Uncertain significance (1 of 4 stars; one submission).

Conditions:
Inborn genetic diseases. Identifiers: MedGen C0950123, MeSH D030342.

Submission:

Ambry Genetics
Classification: Uncertain significance for Inborn genetic diseases. Last evaluated: 2025-11-17. Review status: criteria provided, single submitter. Criteria: Ambry Variant Classification Scheme 2023. Collection method: clinical testing. Allele origin: germline.
Comment: The p.R302S variant (also known as c.906A>T), located in coding exon 1 of the SAMD9 gene, results from an A to T substitution at nucleotide position 906. The arginine at codon 302 is replaced by serine, an amino acid with dissimilar properties. This amino acid position is conserved. In addition, this alteration is predicted to be tolerated by in silico analysis. Based on the available evidence, the clinical significance of this variant remains unclear.

NM_017654.4(SAMD9):c.906A>T (p.Arg302Ser)

Gene: SAMD9 (sterile alpha motif domain containing 9; minus strand). Cytogenetic location: 7q21.2.
Variant type: single nucleotide variant.
Coding change: c.906A>T on transcript NM_017654.4 (MANE Select); coding-DNA position 906, A replaced by T.
Protein change: p.Arg302Ser; replaces arginine 302 with serine.
Molecular consequence: missense variant.
Genome position (GRCh38, 1-based): chr7:93,105,192, T>A on the plus strand (A>T on the coding strand, the complement: SAMD9 is on the minus strand). VCF-style: chr7-93105192-T-A. GRCh37 (hg19) VCF-style: chr7-92734505-T-A.
Other names: c.906A>T, p.Arg302Ser (NM_001193307.2); short protein forms R302S.
Identifiers: ClinVar variation 4629951 (VCV004629951.1).